The following is an entry in ClinVar:

ClinVar aggregate classification (germline): Likely benign. Review status: criteria provided, multiple submitters, no conflicts (2 of 4 stars). 2 submissions from 2 submitters: Likely benign (2). Last evaluated 2026-06-08.

Conditions:
Tumor predisposition syndrome 2 (TPDS2). Also called: MBD4-ASSOCIATED NEOPLASIA SYNDROME; MBD4-Related Tumor Predisposition Syndrome; MBD4-associated neoplasia syndrome (MANS). Identifiers: Orphanet 661526, MedGen C5774186, MONDO:0859267, OMIM 619975.

Allele frequency attached by ClinVar (database versions not stated): gnomAD exomes 0.00001; ExAC 0.00002; TOPMed 0.00005; ESP Exome Variant Server 0.00015; gnomAD 0.00007.
gnomAD v4.1: 19 of 1,599,118 alleles (0.0012%); highest among the groups gnomAD compares: African/African-American, 0.025%; no homozygotes.

Submissions (2):

Myriad Genetics, Inc.
Classification: Likely benign for Tumor predisposition syndrome 2. Last evaluated: 2026-06-08. Review status: criteria provided, single submitter. Criteria: Myriad Autosomal Dominant, Autosomal Recessive and X-Linked Classification Criteria (2023). Collection method: clinical testing. Allele origin: unknown.
Comment: This variant is considered likely benign. This variant is intronic and is not expected to impact mRNA splicing.

Labcorp Genetics (formerly Invitae), Labcorp
Classification: Likely benign. Last evaluated: 2025-10-18. Review status: criteria provided, single submitter. Criteria: Invitae Variant Classification Sherloc (09022015). Collection method: clinical testing. Allele origin: germline.

NM_001276270.2(MBD4):c.1184-15A>G

Gene: MBD4 (methyl-CpG binding domain 4, DNA glycosylase; minus strand). Cytogenetic location: 3q21.3.
Variant type: single nucleotide variant.
Coding change: c.1184-15A>G on transcript NM_001276270.2 (MANE Select); 15 bases into the intron before coding-DNA position 1184, A replaced by G.
Molecular consequence: intron variant.
Genome position (GRCh38, 1-based): chr3:129,434,151, T>C on the plus strand (A>G on the coding strand, the complement: MBD4 is on the minus strand). VCF-style: chr3-129434151-T-C. GRCh37 (hg19) VCF-style: chr3-129152994-T-C.
Other names: c.248-15A>G (NM_001276273.2); c.1202-15A>G (NM_001276272.2, NM_003925.3, NM_001276271.2).
Identifiers: ClinVar variation 2795581 (VCV002795581.4), dbSNP rs369320434, ClinGen allele CA2605386.